The following is an entry in ClinVar:

ClinVar aggregate classification (germline): Uncertain significance (1 of 4 stars; one submission).

Conditions:
Inborn genetic diseases. Identifiers: MedGen C0950123, MeSH D030342.

Allele frequency attached by ClinVar (database versions not stated): ExAC 0.00001; gnomAD 0.00003; TOPMed 0.00003; ESP Exome Variant Server 0.00008.
gnomAD v4.1: 4 of 1,610,560 alleles (0.00025%); highest among the groups gnomAD compares: African/African-American, 0.004%; no homozygotes.

Submission:

Ambry Genetics
Classification: Uncertain significance for Inborn genetic diseases. Last evaluated: 2024-09-20. Review status: criteria provided, single submitter. Criteria: Ambry Variant Classification Scheme 2023. Collection method: clinical testing. Allele origin: germline.
Comment: The p.H452R variant (also known as c.1355A>G), located in coding exon 12 of the LRRK2 gene, results from an A to G substitution at nucleotide position 1355. The histidine at codon 452 is replaced by arginine, an amino acid with highly similar properties. This amino acid position is conserved. In addition, the in silico prediction for this alteration is inconclusive. Since supporting evidence is limited at this time, the clinical significance of this alteration remains unclear.

NM_198578.4(LRRK2):c.1355A>G (p.His452Arg)

Gene: LRRK2 (leucine rich repeat kinase 2; plus strand). Cytogenetic location: 12q12.
Variant type: single nucleotide variant.
Coding change: c.1355A>G on transcript NM_198578.4 (MANE Select); coding-DNA position 1355, A replaced by G.
Protein change: p.His452Arg; replaces histidine 452 with arginine.
Molecular consequence: missense variant.
Genome position (GRCh38, 1-based): chr12:40,257,314, A>G. VCF-style: chr12-40257314-A-G. GRCh37 (hg19) VCF-style: chr12-40651116-A-G.
Other names: short protein forms H452R.
Identifiers: ClinVar variation 1770680 (VCV001770680.3), dbSNP rs368389682, ClinGen allele CA6513353.